The following is an entry in ClinVar:

ClinVar aggregate classification (germline): Uncertain significance (1 of 4 stars; one submission).

Submission:

Dasa
Classification: Uncertain significance. Last evaluated: 2025-08-28. Review status: criteria provided, single submitter. Criteria: DASA Assertion Criteria. Collection method: clinical testing. Allele origin: germline.
Comment: NM_003074.4(SMARCC1):c.1399G>A (p.Glu467Lys) is a missense variant that results in the substitution of glutamic acid with lysine. This variant is absent from population databases. Computational prediction algorithms are consistent with a deleterious effect. The currently available literature and clinical evidence are not sufficient to establish a definitive association between this variant and the reported condition. Therefore, this variant is classified as a variant of uncertain significance.

NM_003074.4(SMARCC1):c.1399G>A (p.Glu467Lys)

Gene: SMARCC1 (SWI/SNF related BAF chromatin remodeling complex subunit C1; minus strand). Cytogenetic location: 3p21.31.
Variant type: single nucleotide variant.
Coding change: c.1399G>A on transcript NM_003074.4 (MANE Select); coding-DNA position 1399, G replaced by A.
Protein change: p.Glu467Lys; replaces glutamic acid 467 with lysine.
Molecular consequence: missense variant.
Genome position (GRCh38, 1-based): chr3:47,680,495, C>T on the plus strand (G>A on the coding strand, the complement: SMARCC1 is on the minus strand). VCF-style: chr3-47680495-C-T. GRCh37 (hg19) VCF-style: chr3-47721985-C-T.
Other names: short protein forms E467K.
Identifiers: ClinVar variation 4882189 (VCV004882189.2).